The following is an entry in ClinVar:

NM_001943.5(DSG2):c.*1674G>A

Genes: DSG2 (desmoglein 2; plus strand), DSG2-AS1 (DSG2 antisense RNA 1; minus strand). Cytogenetic location: 18q12.1.
Variant type: single nucleotide variant.
Coding change: c.*1674G>A on transcript NM_001943.5 (MANE Select); 1674 bases downstream of the stop codon, G replaced by A.
Molecular consequence: 3 prime UTR variant.
Genome position (GRCh38, 1-based): chr18:31,548,417, G>A. VCF-style: chr18-31548417-G-A. GRCh37 (hg19) VCF-style: chr18-29128380-G-A.
Other names: c.*1674G>A (LRG_397t1).
Identifiers: ClinVar variation 326535 (VCV000326535.5), dbSNP rs115630812, ClinGen allele CA10647502.

ClinVar aggregate classification (germline): Likely benign (1 of 4 stars; one submission).

Conditions:
Arrhythmogenic right ventricular dysplasia 10. Also called: Arrhythmogenic Right Ventricular Dysplasia/Cardiomyopathy10; ARRHYTHMOGENIC RIGHT VENTRICULAR DYSPLASIA, FAMILIAL, 10; Arrhythmogenic right ventricular dysplasia/cardiomyopathy, type 10. Identifiers: MedGen C1857777, MONDO:0012434, OMIM 610193.

Allele frequency attached by ClinVar (database versions not stated): gnomAD 0.00240 and 0.00261; TOPMed 0.00281; 1000 Genomes Project 0.00339; 1000 Genomes Project 30x 0.00484.
gnomAD v4.1: 361 of 151,526 alleles (0.24%); highest among the groups gnomAD compares: African/African-American, 0.85%; 1 homozygote.

Submission:

Illumina Laboratory Services, Illumina
Classification: Likely benign for Arrhythmogenic right ventricular dysplasia 10. Last evaluated: 2018-01-13. Review status: criteria provided, single submitter. Criteria: ICSL Variant Classification Criteria 13 December 2019. Collection method: clinical testing. Allele origin: germline.
Comment: This variant was observed in the ICSL laboratory as part of a predisposition screen in an ostensibly healthy population. It had not been previously curated by ICSL or reported in the Human Gene Mutation Database (HGMD: prior to June 1st, 2018), and was therefore a candidate for classification through an automated scoring system. Utilizing variant allele frequency, disease prevalence and penetrance estimates, and inheritance mode, an automated score was calculated to assess if this variant is too frequent to cause the disease. Based on the score and internal cut-off values, a variant classified as likely benign is not then subjected to further curation. The score for this variant resulted in a classification of likely benign for this disease.